The following is an entry in ClinVar:

ClinVar aggregate classification (germline): Uncertain significance (1 of 4 stars; one submission).

Conditions:
Weaver syndrome (WVS). Also called: Weaver Smith syndrome; Overgrowth syndrome with accelerated skeletal maturation, unusual facies, and camptodactyly. Identifiers: Orphanet 3447, MedGen C0265210, MONDO:0010193, OMIM 277590.

Submission:

Labcorp Genetics (formerly Invitae), Labcorp
Classification: Uncertain significance for Weaver syndrome. Last evaluated: 2023-11-27. Review status: criteria provided, single submitter. Criteria: Invitae Variant Classification Sherloc (09022015). Collection method: clinical testing. Allele origin: germline.
Comment: This sequence change replaces asparagine, which is neutral and polar, with lysine, which is basic and polar, at codon 398 of the EZH2 protein (p.Asn398Lys). This variant is not present in population databases (gnomAD no frequency). This variant has not been reported in the literature in individuals affected with EZH2-related conditions. ClinVar contains an entry for this variant (Variation ID: 1471376). Advanced modeling of protein sequence and biophysical properties (such as structural, functional, and spatial information, amino acid conservation, physicochemical variation, residue mobility, and thermodynamic stability) performed at Invitae indicates that this missense variant is not expected to disrupt EZH2 protein function with a negative predictive value of 95%. In summary, the available evidence is currently insufficient to determine the role of this variant in disease. Therefore, it has been classified as a Variant of Uncertain Significance.

NM_004456.5(EZH2):c.1194T>A (p.Asn398Lys)

Gene: EZH2 (enhancer of zeste 2 polycomb repressive complex 2 subunit; minus strand). Cytogenetic location: 7q36.1.
Variant type: single nucleotide variant.
Coding change: c.1194T>A on transcript NM_004456.5 (MANE Select); coding-DNA position 1194, T replaced by A.
Protein change: p.Asn398Lys; replaces asparagine 398 with lysine.
Molecular consequence: missense variant.
Genome position (GRCh38, 1-based): chr7:148,817,923, A>T on the plus strand (T>A on the coding strand, the complement: EZH2 is on the minus strand). VCF-style: chr7-148817923-A-T. GRCh37 (hg19) VCF-style: chr7-148515015-A-T.
Other names: c.1179T>A, p.Asn393Lys (NM_001203247.2); c.1152T>A, p.Asn384Lys (NM_001203248.2, NM_001203249.2); c.1062T>A, p.Asn354Lys (NM_152998.3); short protein forms N398K, N384K, N354K, N393K.
Identifiers: ClinVar variation 1471376 (VCV001471376.8), dbSNP rs2129471668, ClinGen allele CA369716075.
Genomic context (GRCh38, chr7:148,817,923, plus strand): 5'-TAGACGTGTCTTACCAGAGGAGCTCGAAGTTTCATCTTTCTTCTCTTCTTCTTCTTTATC[A>T]TTGTTCTCTCCCCCCGTTTCAGTCCCTGCTTCCCTATCACTGTCTGTATCCTTTGATTCC-3'
Protein context (NP_004447.2, residues 388-408): EAGTETGGEN[Asn398Lys]DKEEEEKKDE